The following is an entry in ClinVar:

ClinVar aggregate classification (germline): Benign/Likely benign. Review status: criteria provided, multiple submitters, no conflicts (2 of 4 stars). 3 submissions from 3 submitters: Benign (1); Likely benign (2). Last evaluated 2025-10-01.

Allele frequency attached by ClinVar (database versions not stated): 1000 Genomes Project 30x 0.00016; 1000 Genomes Project 0.00020; gnomAD 0.00030 and 0.00035; TOPMed 0.00035; ESP Exome Variant Server 0.00039; gnomAD exomes 0.00049 and 0.00064; ExAC 0.00077.
gnomAD v4.1: 778 of 1,606,530 alleles (0.048%); highest among the groups gnomAD compares: South Asian, 0.21%; 1 homozygote.

Submissions (3):

CeGaT Center for Human Genetics Tuebingen
Classification: Likely benign. Last evaluated: 2025-10-01. Review status: criteria provided, single submitter. Criteria: CeGaT Center For Human Genetics Tuebingen Variant Classification Criteria Version 2. Collection method: clinical testing. Allele origin: germline. Affected: yes. Observed: 1 variant allele.
Comment: LAMA5: BP4, BS2

Labcorp Genetics (formerly Invitae), Labcorp
Classification: Benign. Last evaluated: 2025-07-31. Review status: criteria provided, single submitter. Criteria: Invitae Variant Classification Sherloc (09022015). Collection method: clinical testing. Allele origin: germline.

Blueprint Genetics
Classification: Likely benign. Last evaluated: 2024-11-27. Review status: criteria provided, single submitter. Criteria: ACMG Guidelines, 2015. Collection method: clinical testing. Allele origin: germline.

NM_005560.6(LAMA5):c.1892-8C>T

Gene: LAMA5 (laminin subunit alpha 5; minus strand). Cytogenetic location: 20q13.33.
Variant type: single nucleotide variant.
Coding change: c.1892-8C>T on transcript NM_005560.6 (MANE Select); 8 bases into the intron before coding-DNA position 1892, C replaced by T.
Molecular consequence: intron variant.
Genome position (GRCh38, 1-based): chr20:62,337,946, G>A on the plus strand (C>T on the coding strand, the complement: LAMA5 is on the minus strand). VCF-style: chr20-62337946-G-A. GRCh37 (hg19) VCF-style: chr20-60913002-G-A.
Identifiers: ClinVar variation 1606615 (VCV001606615.15), dbSNP rs371892405, ClinGen allele CA9943713.